The following is an entry in ClinVar:

NM_001723.7(DST):c.4633A>G (p.Ile1545Val)

Gene: DST (dystonin; minus strand). Cytogenetic location: 6p12.1.
Variant type: single nucleotide variant.
Coding change: c.4633A>G on transcript NM_001723.7 (MANE Plus Clinical); coding-DNA position 4633, A replaced by G.
Protein change: p.Ile1545Val; replaces isoleucine 1545 with valine.
Molecular consequence: missense variant. On other transcripts: intron variant (10).
Genome position (GRCh38, 1-based): chr6:56,619,401, T>C on the plus strand (A>G on the coding strand, the complement: DST is on the minus strand). VCF-style: chr6-56619401-T-C. GRCh37 (hg19) VCF-style: chr6-56484199-T-C.
Other names: c.4831-4917A>G (NM_001144769.5); c.4930-4917A>G (NM_001374722.1, NM_001374736.1); c.4957-4917A>G (NM_001374734.1); c.4417-4917A>G (NM_001144770.2); c.4297-4917A>G (NM_001374730.1, NM_001386100.1, NM_183380.4 and 1 more transcripts); c.3319-4917A>G (NM_015548.5); short protein forms I1545V.
Identifiers: ClinVar variation 3758464 (VCV003758464.2).

ClinVar aggregate classification (germline): Uncertain significance (1 of 4 stars; one submission).

Conditions:
Epidermolysis bullosa simplex 3, localized or generalized intermediate, with BP230 deficiency (EBS3). Also called: Epidermolysis bullosa simplex, autosomal recessive 2; Epidermolysis bullosa simplex due to BP230 deficiency. Identifiers: Orphanet 412181, MedGen C3809470, MONDO:0014180, OMIM 615425.
Hereditary sensory and autonomic neuropathy type 6. Also called: HSAN VI; Neuropathy, hereditary sensory and autonomic, type VI. Identifiers: Orphanet 314381, MedGen C3539003, MONDO:0013839, OMIM 614653.

gnomAD v4.1: 10 of 1,613,234 alleles (0.00062%); highest among the groups gnomAD compares: African/African-American, 0.008%; no homozygotes.

Submission:

Labcorp Genetics (formerly Invitae), Labcorp
Classification: Uncertain significance for Epidermolysis bullosa simplex 3, localized or generalized intermediate, with BP230 deficiency; Hereditary sensory and autonomic neuropathy type 6. Last evaluated: 2025-12-17. Review status: criteria provided, single submitter. Criteria: Invitae Variant Classification Sherloc (09022015). Collection method: clinical testing. Allele origin: germline.
Comment: This sequence change replaces isoleucine, which is neutral and non-polar, with valine, which is neutral and non-polar, at codon 1545 of the DST protein (p.Ile1545Val). This variant is present in population databases (rs758417159, gnomAD 0.004%). This variant has not been reported in the literature in individuals affected with DST-related conditions. ClinVar contains an entry for this variant (Variation ID: 3758464). An algorithm developed to predict the effect of missense changes on protein structure and function (PolyPhen-2) suggests that this variant is likely to be tolerated. In summary, the available evidence is currently insufficient to determine the role of this variant in disease. Therefore, it has been classified as a Variant of Uncertain Significance.